The following is an entry in ClinVar:

NM_001083961.2(WDR62):c.4311+16G>T

Gene: WDR62 (WD repeat domain 62; plus strand). Cytogenetic location: 19q13.12.
Variant type: single nucleotide variant.
Coding change: c.4311+16G>T on transcript NM_001083961.2 (MANE Select); 16 bases into the intron after coding-DNA position 4311, G replaced by T.
Molecular consequence: intron variant.
Genome position (GRCh38, 1-based): chr19:36,104,691, G>T. VCF-style: chr19-36104691-G-T. GRCh37 (hg19) VCF-style: chr19-36595593-G-T.
Other names: c.4296+16G>T (NM_173636.5).
Identifiers: ClinVar variation 507819 (VCV000507819.1), dbSNP rs1309062277, ClinGen allele CA658799191.
Genomic context (GRCh38, chr19:36,104,691, plus strand): 5'-AGGCTGCAGACCACCTTCCAAGAAGCCCTCGACCTTTACCGTGTGGTGAGCTAAGCCCCA[G>T]AGTTGGGAAAGGGTTGAGGGGTCTCTTGAGACCGCCCGGCCTTGGTGGCCCCTGACAAGG-3'

ClinVar aggregate classification (germline): Likely benign (1 of 4 stars; one submission).

Allele frequency attached by ClinVar (database versions not stated): TOPMed below 0.00001; gnomAD 0.00001.
gnomAD v4.1: 1 of 1,613,932 alleles (0.000062%); highest among the groups gnomAD compares: African/African-American, 0.0013%; no homozygotes.

Submission:

GeneDx
Classification: Likely benign. Last evaluated: 2017-03-03. Review status: criteria provided, single submitter. Criteria: GeneDx Variant Classification (06012015). Collection method: clinical testing. Allele origin: germline. Affected: yes.
Comment: This variant is considered likely benign or benign based on one or more of the following criteria: it is a conservative change, it occurs at a poorly conserved position in the protein, it is predicted to be benign by multiple in silico algorithms, and/or has population frequency not consistent with disease.